The following is an entry in ClinVar:

ClinVar aggregate classification (germline): Uncertain significance. Review status: criteria provided, multiple submitters, no conflicts (2 of 4 stars). 2 submissions from 2 submitters: Uncertain significance (2). Last evaluated 2026-09-10.

Conditions:
Inborn genetic diseases. Identifiers: MedGen C0950123, MeSH D030342.
Intellectual developmental disorder, X-linked, syndromic, Raymond type. Also called: Syndromic X-linked intellectual disability Raymond type. Identifiers: MedGen C3275406, MONDO:0010427, OMIM 300799.

Allele frequency attached by ClinVar (database versions not stated): gnomAD 0.00001; TOPMed below 0.00001.
gnomAD v4.1: 2 of 1,209,625 alleles (0.00017%); highest among the groups gnomAD compares: African/African-American, 0.0035%; no homozygotes.

Submissions (2):

Ambry Genetics
Classification: Uncertain significance for Inborn genetic diseases. Last evaluated: 2026-09-10. Review status: criteria provided, single submitter. Criteria: Ambry Variant Classification Scheme 2023. Collection method: clinical testing. Allele origin: germline.

Labcorp Genetics (formerly Invitae), Labcorp
Classification: Uncertain significance for Intellectual developmental disorder, X-linked, syndromic, Raymond type. Last evaluated: 2025-06-14. Review status: criteria provided, single submitter. Criteria: Invitae Variant Classification Sherloc (09022015). Collection method: clinical testing. Allele origin: germline.
Comment: This sequence change replaces alanine, which is neutral and non-polar, with threonine, which is neutral and polar, at codon 359 of the ZDHHC9 protein (p.Ala359Thr). This variant is not present in population databases (gnomAD no frequency). This variant has not been reported in the literature in individuals affected with ZDHHC9-related conditions. ClinVar contains an entry for this variant (Variation ID: 951326). An algorithm developed to predict the effect of missense changes on protein structure and function outputs the following: PolyPhen-2: "Not Available". The threonine amino acid residue is found in multiple mammalian species, which suggests that this missense change does not adversely affect protein function. In summary, the available evidence is currently insufficient to determine the role of this variant in disease. Therefore, it has been classified as a Variant of Uncertain Significance.

NM_016032.4(ZDHHC9):c.1075G>A (p.Ala359Thr)

Gene: ZDHHC9 (zDHHC palmitoyltransferase 9; minus strand). Cytogenetic location: Xq26.1.
Variant type: single nucleotide variant.
Coding change: c.1075G>A on transcript NM_016032.4 (MANE Select); coding-DNA position 1075, G replaced by A.
Protein change: p.Ala359Thr; replaces alanine 359 with threonine.
Molecular consequence: missense variant.
Genome position (GRCh38, 1-based): chrX:129,806,390, C>T on the plus strand (G>A on the coding strand, the complement: ZDHHC9 is on the minus strand). VCF-style: chrX-129806390-C-T. GRCh37 (hg19) VCF-style: chrX-128940366-C-T.
Other names: c.1075G>A, p.Ala359Thr (NM_001008222.3); short protein forms A359T.
Identifiers: ClinVar variation 951326 (VCV000951326.10), dbSNP rs1927515432, ClinGen allele CA414577743.